The following is an entry in ClinVar:

ClinVar aggregate classification (germline): Uncertain significance (1 of 4 stars; one submission).

gnomAD v4.1: 4 of 1,613,086 alleles (0.00025%); highest among the groups gnomAD compares: East Asian, 0.0067%; no homozygotes.

Submission:

GeneDx
Classification: Uncertain significance. Last evaluated: 2017-03-08. Review status: criteria provided, single submitter. Criteria: GeneDx Variant Classification (06012015). Collection method: clinical testing. Allele origin: germline. Affected: yes.
Comment: The Y388H variant in the POLR1A gene has not been reported previously as a pathogenic variant, nor as a benign variant, to our knowledge. The Y388H variant is not observed in large population cohorts (Lek et al., 2016; 1000 Genomes Consortium et al., 2015; Exome Variant Server). The Y388H variant is a non-conservative amino acid substitution, which is likely to impact secondary protein structure as these residues differ in polarity, charge, size and/or other properties. This substitution occurs at a position that is conserved across species. However, in silico analysis is inconsistent in its predictions as to whether or not the variant is damaging to the protein structure/function. We interpret Y388H as a variant of uncertain significance.

NM_015425.6(POLR1A):c.1162T>C (p.Tyr388His)

Gene: POLR1A (RNA polymerase I subunit A; minus strand). Cytogenetic location: 2p11.2.
Variant type: single nucleotide variant.
Coding change: c.1162T>C on transcript NM_015425.6 (MANE Select); coding-DNA position 1162, T replaced by C.
Protein change: p.Tyr388His; replaces tyrosine 388 with histidine.
Molecular consequence: missense variant.
Genome position (GRCh38, 1-based): chr2:86,078,209, A>G on the plus strand (T>C on the coding strand, the complement: POLR1A is on the minus strand). VCF-style: chr2-86078209-A-G. GRCh37 (hg19) VCF-style: chr2-86305332-A-G.
Other names: short protein forms Y388H.
Identifiers: ClinVar variation 424184 (VCV000424184.2), dbSNP rs770680979, ClinGen allele CA16617771.